The following is an entry in ClinVar:

NM_006939.4(SOS2):c.551T>C (p.Val184Ala)

Gene: SOS2 (SOS Ras/Rho guanine nucleotide exchange factor 2; minus strand). Cytogenetic location: 14q21.3.
Variant type: single nucleotide variant.
Coding change: c.551T>C on transcript NM_006939.4 (MANE Select); coding-DNA position 551, T replaced by C.
Protein change: p.Val184Ala; replaces valine 184 with alanine.
Molecular consequence: missense variant.
Genome position (GRCh38, 1-based): chr14:50,188,660, A>G on the plus strand (T>C on the coding strand, the complement: SOS2 is on the minus strand). VCF-style: chr14-50188660-A-G. GRCh37 (hg19) VCF-style: chr14-50655378-A-G.
Other names: c.551T>C, p.Val184Ala (NM_001411020.1); short protein forms V184A.
Identifiers: ClinVar variation 2863838 (VCV002863838.3), dbSNP rs2503134351, ClinGen allele CA389648282.

ClinVar aggregate classification (germline): Uncertain significance (1 of 4 stars; one submission).

Conditions:
Noonan syndrome 9 (NS9). Identifiers: Orphanet 648, MedGen C4225282, MONDO:0014691, OMIM 616559.

Submission:

Labcorp Genetics (formerly Invitae), Labcorp
Classification: Uncertain significance for Noonan syndrome 9. Last evaluated: 2023-05-16. Review status: criteria provided, single submitter. Criteria: Invitae Variant Classification Sherloc (09022015). Collection method: clinical testing. Allele origin: germline.
Comment: This variant has not been reported in the literature in individuals affected with SOS2-related conditions. In summary, the available evidence is currently insufficient to determine the role of this variant in disease. Therefore, it has been classified as a Variant of Uncertain Significance. Advanced modeling of protein sequence and biophysical properties (such as structural, functional, and spatial information, amino acid conservation, physicochemical variation, residue mobility, and thermodynamic stability) performed at Invitae indicates that this missense variant is not expected to disrupt SOS2 protein function. This variant is not present in population databases (gnomAD no frequency). This sequence change replaces valine, which is neutral and non-polar, with alanine, which is neutral and non-polar, at codon 184 of the SOS2 protein (p.Val184Ala).